The following is an entry in ClinVar:

NM_058216.3(RAD51C):c.473T>C (p.Ile158Thr)

Gene: RAD51C (RAD51 paralog C; plus strand). Cytogenetic location: 17q22.
Variant type: single nucleotide variant.
Coding change: c.473T>C on transcript NM_058216.3 (MANE Select); coding-DNA position 473, T replaced by C.
Protein change: p.Ile158Thr; replaces isoleucine 158 with threonine.
Molecular consequence: missense variant.
Genome position (GRCh38, 1-based): chr17:58,696,761, T>C. VCF-style: chr17-58696761-T-C. GRCh37 (hg19) VCF-style: chr17-56774122-T-C.
Other names: short protein forms I158T.
Identifiers: ClinVar variation 478578 (VCV000478578.19), dbSNP rs1394901462, ClinGen allele CA400344673.

ClinVar aggregate classification (germline): Uncertain significance. Review status: criteria provided, multiple submitters, no conflicts (2 of 4 stars). 3 submissions from 3 submitters: Uncertain significance (3). Last evaluated 2026-01-26.

Conditions:
Hereditary cancer-predisposing syndrome. Also called: Tumor predisposition; Neoplastic Syndromes, Hereditary; Hereditary Cancer Syndrome; Hereditary neoplastic syndrome. Identifiers: Orphanet 140162, MedGen C0027672, MeSH D009386, MONDO:0015356.
Fanconi anemia complementation group O. Also called: RAD51C-Related Fanconi Anemia. Identifiers: Orphanet 84, MedGen C3150653, MONDO:0013248, OMIM 613390.

Allele frequency attached by ClinVar (database versions not stated): gnomAD exomes below 0.00001.
gnomAD v4.1: 7 of 1,614,196 alleles (0.00043%); highest among the groups gnomAD compares: Middle Eastern, 0.016%; no homozygotes.

Submissions (3):

Labcorp Genetics (formerly Invitae), Labcorp
Classification: Uncertain significance for Fanconi anemia complementation group O. Last evaluated: 2026-01-26. Review status: criteria provided, single submitter. Criteria: Invitae Variant Classification Sherloc (09022015). Collection method: clinical testing. Allele origin: germline.
Comment: This sequence change replaces isoleucine, which is neutral and non-polar, with threonine, which is neutral and polar, at codon 158 of the RAD51C protein (p.Ile158Thr). This variant is present in population databases (no rsID available, gnomAD 0.006%). This variant has not been reported in the literature in individuals affected with RAD51C-related conditions. ClinVar contains an entry for this variant (Variation ID: 478578). Invitae Evidence Modeling of protein sequence and biophysical properties (such as structural, functional, and spatial information, amino acid conservation, physicochemical variation, residue mobility, and thermodynamic stability) indicates that this missense variant is expected to disrupt RAD51C protein function with a positive predictive value of 80%. In summary, the available evidence is currently insufficient to determine the role of this variant in disease. Therefore, it has been classified as a Variant of Uncertain Significance.

Color Diagnostics, LLC DBA Color Health
Classification: Uncertain significance for Hereditary cancer-predisposing syndrome. Last evaluated: 2024-03-06. Review status: criteria provided, single submitter. Criteria: ACMG Guidelines, 2015. Collection method: clinical testing. Allele origin: germline.
Comment: This missense variant replaces isoleucine with threonine at codon 158 of the RAD51C protein. Computational prediction is inconclusive regarding the impact of this variant on protein structure and function (internally defined REVEL score threshold 0.5 < inconclusive < 0.7, PMID: 27666373). To our knowledge, functional studies have not been reported for this variant. This variant has not been reported in individuals affected with hereditary cancer in the literature. This variant has been identified in 1/251464 chromosomes in the general population by the Genome Aggregation Database (gnomAD). The available evidence is insufficient to determine the role of this variant in disease conclusively. Therefore, this variant is classified as a Variant of Uncertain Significance.

Ambry Genetics
Classification: Uncertain significance for Hereditary cancer-predisposing syndrome. Last evaluated: 2023-04-29. Review status: criteria provided, single submitter. Criteria: Ambry Variant Classification Scheme 2023. Collection method: clinical testing. Allele origin: germline.
Comment: The p.I158T variant (also known as c.473T>C), located in coding exon 3 of the RAD51C gene, results from a T to C substitution at nucleotide position 473. The isoleucine at codon 158 is replaced by threonine, an amino acid with similar properties. This amino acid position is well conserved in available vertebrate species. In addition, this alteration is predicted to be deleterious by in silico analysis. Since supporting evidence is limited at this time, the clinical significance of this alteration remains unclear.